The following is an entry in ClinVar:

NM_003331.5(TYK2):c.1249G>A (p.Val417Met)

Gene: TYK2 (tyrosine kinase 2; minus strand). Cytogenetic location: 19p13.2.
Variant type: single nucleotide variant.
Coding change: c.1249G>A on transcript NM_003331.5 (MANE Select); coding-DNA position 1249, G replaced by A.
Protein change: p.Val417Met; replaces valine 417 with methionine.
Molecular consequence: missense variant.
Genome position (GRCh38, 1-based): chr19:10,364,732, C>T on the plus strand (G>A on the coding strand, the complement: TYK2 is on the minus strand). VCF-style: chr19-10364732-C-T. GRCh37 (hg19) VCF-style: chr19-10475408-C-T.
Other names: c.1249G>A (LRG_121t1); short protein forms V417M.
Identifiers: ClinVar variation 653160 (VCV000653160.6), dbSNP rs776878637, ClinGen allele CA9193482.
Genomic context (GRCh38, chr19:10,364,732, plus strand): 5'-CGTGGCACAGGTAGTGGCTGGAGTCGGCCGTCAGGCGGAAATAGCCGTCCACCAGCGACA[C>T]GAAGGACAGCGCCGCAGCCCGGGAAGGCAAGCTCAGCTCCTGCCAGCCAGGGGCGCATCA-3'
Protein context (NP_003322.3, residues 407-427): LPSRAAALSF[Val417Met]SLVDGYFRLT

ClinVar aggregate classification (germline): Uncertain significance (1 of 4 stars; one submission).

Conditions:
Immunodeficiency 35 (IMD35). Also called: HIES WITH ATYPICAL MYCOBACTERIOSIS, AUTOSOMAL RECESSIVE; HYPER-IgE SYNDROME WITH ATYPICAL MYCOBACTERIOSIS, AUTOSOMAL RECESSIVE; TYK2 DEFICIENCY; Susceptibility to infection due to TYK2 deficiency. Identifiers: Orphanet 331226, MedGen C1969086, MONDO:0012682, OMIM 611521.

Allele frequency attached by ClinVar (database versions not stated): ExAC 0.00001; gnomAD 0.00001; gnomAD exomes below 0.00001.
gnomAD v4.1: 9 of 1,613,730 alleles (0.00056%); highest among the groups gnomAD compares: Middle Eastern, 0.016%; no homozygotes.

Submission:

Labcorp Genetics (formerly Invitae), Labcorp
Classification: Uncertain significance for Immunodeficiency 35. Last evaluated: 2022-11-28. Review status: criteria provided, single submitter. Criteria: Invitae Variant Classification Sherloc (09022015). Collection method: clinical testing. Allele origin: germline.
Comment: This sequence change replaces valine, which is neutral and non-polar, with methionine, which is neutral and non-polar, at codon 417 of the TYK2 protein (p.Val417Met). In summary, the available evidence is currently insufficient to determine the role of this variant in disease. Therefore, it has been classified as a Variant of Uncertain Significance. Advanced modeling of protein sequence and biophysical properties (such as structural, functional, and spatial information, amino acid conservation, physicochemical variation, residue mobility, and thermodynamic stability) performed at Invitae indicates that this missense variant is not expected to disrupt TYK2 protein function. ClinVar contains an entry for this variant (Variation ID: 653160). This variant has not been reported in the literature in individuals affected with TYK2-related conditions. This variant is present in population databases (rs776878637, gnomAD 0.007%).